The following is an entry in ClinVar:

ClinVar aggregate classification (germline): Uncertain significance (1 of 4 stars; one submission).

Conditions:
Hereditary cancer-predisposing syndrome. Also called: Neoplastic Syndromes, Hereditary; Tumor predisposition; Hereditary Cancer Syndrome; Hereditary neoplastic syndrome. Identifiers: Orphanet 140162, MedGen C0027672, MeSH D009386, MONDO:0015356.

Submission:

Ambry Genetics
Classification: Uncertain significance for Hereditary cancer-predisposing syndrome. Last evaluated: 2026-03-20. Review status: criteria provided, single submitter. Criteria: Ambry Variant Classification Scheme 2023. Collection method: clinical testing. Allele origin: germline.
Comment: The p.V1894I variant (also known as c.5680G>A), located in coding exon 15 of the APC gene, results from a G to A substitution at nucleotide position 5680. The valine at codon 1894 is replaced by isoleucine, an amino acid with highly similar properties. This amino acid position is conserved. In addition, in silico predictors for this gene do not accurately predict pathogenicity. Based on the available evidence, the clinical significance of this variant remains unclear.

NM_000038.6(APC):c.5680G>A (p.Val1894Ile)

Gene: APC (APC regulator of Wnt signaling pathway; plus strand). Cytogenetic location: 5q22.2.
Variant type: single nucleotide variant.
Coding change: c.5680G>A on transcript NM_000038.6 (MANE Select); coding-DNA position 5680, G replaced by A.
Protein change: p.Val1894Ile; replaces valine 1894 with isoleucine.
Molecular consequence: missense variant. On other transcripts: non-coding transcript variant (2).
Genome position (GRCh38, 1-based): chr5:112,841,274, G>A. VCF-style: chr5-112841274-G-A. GRCh37 (hg19) VCF-style: chr5-112176971-G-A.
Other names: c.5734G>A, p.Val1912Ile (NM_001407449.1, NM_001354896.2, NM_001407447.1 and 1 more transcripts); c.5680G>A, p.Val1894Ile (NM_001407450.1, NM_001127510.3, NM_001354895.2); c.5659G>A, p.Val1887Ile (NM_001407451.1); c.5650G>A, p.Val1884Ile (NM_001407452.1); c.5503G>A, p.Val1835Ile (NM_001407453.1, NM_001354901.2); c.5431G>A, p.Val1811Ile (NM_001407454.1, NM_001407455.1, NM_001407456.1 and 1 more transcripts); c.5377G>A, p.Val1793Ile (NM_001407458.1, NM_001407459.1, NM_001407460.1 and 1 more transcripts); c.5293G>A, p.Val1765Ile (NM_001407467.1, NM_001407469.1); and 11 more; short protein forms V1510I, V1611I, V1734I, V1765I, V1768I, V1793I, V1803I, V1811I.
Identifiers: ClinVar variation 4860860 (VCV004860860.1).